The following is an entry in ClinVar:

NM_003072.5(SMARCA4):c.3516C>A (p.Ile1172=)

Gene: SMARCA4 (SWI/SNF related BAF chromatin remodeling complex subunit ATPase 4; plus strand). Cytogenetic location: 19p13.2.
Variant type: single nucleotide variant.
Coding change: c.3516C>A on transcript NM_003072.5 (MANE Select); coding-DNA position 3516, C replaced by A.
Protein change: p.Ile1172=; no amino-acid change (isoleucine 1172 retained).
Molecular consequence: synonymous variant. On other transcripts: non-coding transcript variant (1).
Genome position (GRCh38, 1-based): chr19:11,030,863, C>A. VCF-style: chr19-11030863-C-A. GRCh37 (hg19) VCF-style: chr19-11141539-C-A.
Other names: c.3516C>A, p.Ile1172= (NM_001128844.3, NM_001128845.2, NM_001128846.2 and 5 more transcripts).
Identifiers: ClinVar variation 470356 (VCV000470356.14), dbSNP rs769327965, ClinGen allele CA9204437.
Genomic context (GRCh38, chr19:11,030,863, plus strand): 5'-CCTGCTCAGCACCCGGGCTGGGGGGCTCGGCCTGAACCTCCAGTCGGCAGACACTGTGAT[C>A]ATTTTTGACAGCGACTGGAATCCTCACCAGGTAAAAGCGGGCCGGGCCCCAGGTCGAGGA-3'
Protein context (NP_003063.2, residues 1162-1182): GLNLQSADTV[Ile1172=]IFDSDWNPHQ

ClinVar aggregate classification (germline): Benign/Likely benign. Review status: criteria provided, multiple submitters, no conflicts (2 of 4 stars). 3 submissions from 3 submitters: Benign (1); Likely benign (2). Last evaluated 2026-07-14.

Conditions:
Hereditary cancer-predisposing syndrome. Also called: Tumor predisposition; Neoplastic Syndromes, Hereditary; Hereditary Cancer Syndrome; Hereditary neoplastic syndrome. Identifiers: Orphanet 140162, MedGen C0027672, MeSH D009386, MONDO:0015356.
Rhabdoid tumor predisposition syndrome 2 (RTPS2). Identifiers: Orphanet 231108, Orphanet 69077, MedGen C2750074, MONDO:0013224, OMIM 613325.

Allele frequency attached by ClinVar (database versions not stated): gnomAD exomes below 0.00001; ExAC 0.00002.
gnomAD v4.1: 2 of 1,610,552 alleles (0.00012%); highest among the groups gnomAD compares: East Asian, 0.0045%; no homozygotes.

Submissions (3):

Myriad Genetics, Inc.
Classification: Benign for Rhabdoid tumor predisposition syndrome 2. Last evaluated: 2026-07-14. Review status: criteria provided, single submitter. Criteria: Myriad Autosomal Dominant, Autosomal Recessive and X-Linked Classification Criteria (2023). Collection method: clinical testing. Allele origin: unknown.
Comment: This variant is considered benign. This variant is a silent/synonymous amino acid change and it is not expected to impact splicing.

Labcorp Genetics (formerly Invitae), Labcorp
Classification: Likely benign for Rhabdoid tumor predisposition syndrome 2. Last evaluated: 2025-11-30. Review status: criteria provided, single submitter. Criteria: Invitae Variant Classification Sherloc (09022015). Collection method: clinical testing. Allele origin: germline.

Ambry Genetics
Classification: Likely benign for Hereditary cancer-predisposing syndrome. Last evaluated: 2019-12-13. Review status: criteria provided, single submitter. Criteria: Ambry Variant Classification Scheme 2023. Collection method: clinical testing. Allele origin: germline.